The following is an entry in ClinVar:

NM_206996.4(SPAG17):c.5553G>A (p.Gln1851=)

Gene: SPAG17 (sperm associated antigen 17; minus strand). Cytogenetic location: 1p12.
Variant type: single nucleotide variant.
Coding change: c.5553G>A on transcript NM_206996.4 (MANE Select); coding-DNA position 5553, G replaced by A.
Protein change: p.Gln1851=; no amino-acid change (glutamine 1851 retained).
Molecular consequence: synonymous variant.
Genome position (GRCh38, 1-based): chr1:117,988,173, C>T on the plus strand (G>A on the coding strand, the complement: SPAG17 is on the minus strand). VCF-style: chr1-117988173-C-T. GRCh37 (hg19) VCF-style: chr1-118530796-C-T.
Identifiers: ClinVar variation 3059507 (VCV003059507.2), dbSNP rs12040811, ClinGen allele CA1033078.

ClinVar aggregate classification (germline): Benign (0 of 4 stars; one submission).

Conditions:
SPAG17-related disorder. Also called: SPAG17-related condition.

Allele frequency attached by ClinVar (database versions not stated): ESP Exome Variant Server 0.05474; TOPMed 0.06704; gnomAD 0.06742; gnomAD exomes 0.06782; ExAC 0.09090; 1000 Genomes Project 30x 0.13351; 1000 Genomes Project 0.13838.
gnomAD v4.1: 109,362 of 1,600,812 alleles (6.8%); highest among the groups gnomAD compares: East Asian, 29%; 5,569 homozygotes.

Submission:

PreventionGenetics, part of Exact Sciences
Classification: Benign for SPAG17-related condition. Last evaluated: 2019-03-01. Review status: no assertion criteria provided. Collection method: clinical testing. Allele origin: germline.
Comment: This variant is classified as benign based on ACMG/AMP sequence variant interpretation guidelines (Richards et al. 2015 PMID: 25741868, with internal and published modifications).